The following is an entry in ClinVar:

ClinVar aggregate classification (germline): Likely benign (1 of 4 stars; one submission).

Allele frequency attached by ClinVar (database versions not stated): gnomAD exomes below 0.00001; ExAC 0.00001.
gnomAD v4.1: 2 of 1,614,198 alleles (0.00012%); highest among the groups gnomAD compares: Middle Eastern, 0.017%; no homozygotes.

Submission:

CeGaT Center for Human Genetics Tuebingen
Classification: Likely benign. Last evaluated: 2023-07-01. Review status: criteria provided, single submitter. Criteria: CeGaT Center For Human Genetics Tuebingen Variant Classification Criteria Version 2. Collection method: clinical testing. Allele origin: germline. Affected: yes. Observed: 1 variant allele.
Comment: KMT5B: BP4, BP7

NM_017635.5(KMT5B):c.1509A>G (p.Ala503=)

Gene: KMT5B (lysine methyltransferase 5B; minus strand). Cytogenetic location: 11q13.2.
Variant type: single nucleotide variant.
Coding change: c.1509A>G on transcript NM_017635.5 (MANE Select); coding-DNA position 1509, A replaced by G.
Protein change: p.Ala503=; no amino-acid change (alanine 503 retained).
Molecular consequence: synonymous variant.
Genome position (GRCh38, 1-based): chr11:68,158,837, T>C on the plus strand (A>G on the coding strand, the complement: KMT5B is on the minus strand). VCF-style: chr11-68158837-T-C. GRCh37 (hg19) VCF-style: chr11-67926304-T-C.
Other names: c.993A>G, p.Ala331= (NM_001300907.1, NM_001369428.1, NM_001369429.1 and 4 more transcripts); c.789A>G, p.Ala263= (NM_001300908.2); c.1509A>G, p.Ala503= (NM_001369426.1).
Identifiers: ClinVar variation 2578662 (VCV002578662.25), dbSNP rs767473679, ClinGen allele CA6148179.